The following is an entry in ClinVar:

ClinVar aggregate classification (germline): Uncertain significance (1 of 4 stars; one submission).

Allele frequency attached by ClinVar (database versions not stated): ExAC 0.00002; gnomAD exomes 0.00002 and 0.00004; ESP Exome Variant Server 0.00008.
gnomAD v4.1: 54 of 1,591,160 alleles (0.0034%); highest among the groups gnomAD compares: Non-Finnish European, 0.0045%; no homozygotes.

Submission:

Labcorp Genetics (formerly Invitae), Labcorp
Classification: Uncertain significance. Last evaluated: 2020-12-28. Review status: criteria provided, single submitter. Criteria: Invitae Variant Classification Sherloc (09022015). Collection method: clinical testing. Allele origin: germline.
Comment: In summary, the available evidence is currently insufficient to determine the role of this variant in disease. Therefore, it has been classified as a Variant of Uncertain Significance. Algorithms developed to predict the effect of missense changes on protein structure and function output the following: SIFT: "Tolerated"; PolyPhen-2: "Not Available"; Align-GVGD: "Class C0". The valine amino acid residue is found in multiple mammalian species, suggesting that this missense change does not adversely affect protein function. These predictions have not been confirmed by published functional studies and their clinical significance is uncertain. This variant has not been reported in the literature in individuals with SRCAP-related conditions. This variant is present in population databases (rs374747135, ExAC 0.003%). This sequence change replaces methionine with valine at codon 444 of the SRCAP protein (p.Met444Val). The methionine residue is highly conserved and there is a small physicochemical difference between methionine and valine.

NM_006662.3(SRCAP):c.1330A>G (p.Met444Val)

Gene: SRCAP (Snf2 related CREBBP activator protein; plus strand). Cytogenetic location: 16p11.2.
Variant type: single nucleotide variant.
Coding change: c.1330A>G on transcript NM_006662.3 (MANE Select); coding-DNA position 1330, A replaced by G.
Protein change: p.Met444Val; replaces methionine 444 with valine.
Molecular consequence: missense variant.
Genome position (GRCh38, 1-based): chr16:30,711,582, A>G. VCF-style: chr16-30711582-A-G. GRCh37 (hg19) VCF-style: chr16-30722903-A-G.
Other names: short protein forms M444V.
Identifiers: ClinVar variation 1483375 (VCV001483375.8), dbSNP rs374747135, ClinGen allele CA8010974.